The following is an entry in ClinVar:

NM_020931.4(KIAA1586):c.211C>T (p.Arg71Ter)

Gene: KIAA1586 (KIAA1586; plus strand). Cytogenetic location: 6p12.1.
Variant type: single nucleotide variant.
Coding change: c.211C>T on transcript NM_020931.4 (MANE Select); coding-DNA position 211, C replaced by T.
Protein change: p.Arg71Ter; replaces arginine 71 with a stop codon.
Molecular consequence: nonsense.
Genome position (GRCh38, 1-based): chr6:57,052,710, C>T. VCF-style: chr6-57052710-C-T. GRCh37 (hg19) VCF-style: chr6-56917508-C-T.
Other names: c.130C>T, p.Arg44Ter (NM_001286274.2); c.10C>T, p.Arg4Ter (NM_001286275.2, NM_001286276.2); short protein forms R4*, R44*, R71*.
Identifiers: ClinVar variation 3045280 (VCV003045280.2), dbSNP rs61741654, ClinGen allele CA3872401.

ClinVar aggregate classification (germline): Likely benign (0 of 4 stars; one submission).

Conditions:
KIAA1586-related disorder. Also called: KIAA1586-related condition.

Allele frequency attached by ClinVar (database versions not stated): ExAC 0.00089; 1000 Genomes Project 0.00240; 1000 Genomes Project 30x 0.00250; gnomAD 0.00284; TOPMed 0.00306; ESP Exome Variant Server 0.00331.

Submission:

PreventionGenetics, part of Exact Sciences
Classification: Likely benign for KIAA1586-related condition. Last evaluated: 2021-07-15. Review status: no assertion criteria provided. Collection method: clinical testing. Allele origin: germline.
Comment: This variant is classified as likely benign based on ACMG/AMP sequence variant interpretation guidelines (Richards et al. 2015 PMID: 25741868, with internal and published modifications).